The following is an entry in ClinVar:

ClinVar aggregate classification (germline): Uncertain significance (1 of 4 stars; one submission).

Conditions:
Methylmalonic acidemia with homocystinuria, type cblJ (MAHCJ). Also called: METHYLMALONIC ACIDURIA AND HOMOCYSTINURIA, cblJ TYPE. Identifiers: Orphanet 369955, MedGen C3553915, MONDO:0013925, OMIM 614857.

Submission:

Labcorp Genetics (formerly Invitae), Labcorp
Classification: Uncertain significance for Methylmalonic acidemia with homocystinuria, type cblJ. Last evaluated: 2020-09-30. Review status: criteria provided, single submitter. Criteria: Invitae Variant Classification Sherloc (09022015). Collection method: clinical testing. Allele origin: germline.
Comment: In summary, the available evidence is currently insufficient to determine the role of this variant in disease. Therefore, it has been classified as a Variant of Uncertain Significance. Advanced modeling of protein sequence and biophysical properties (such as structural, functional, and spatial information, amino acid conservation, physicochemical variation, residue mobility, and thermodynamic stability) performed at Invitae indicates that this missense variant is not expected to disrupt ABCD4 protein function. This variant has not been reported in the literature in individuals with ABCD4-related conditions. This variant is not present in population databases (ExAC no frequency). This sequence change replaces isoleucine with valine at codon 419 of the ABCD4 protein (p.Ile419Val). The isoleucine residue is highly conserved and there is a small physicochemical difference between isoleucine and valine.

NM_005050.4(ABCD4):c.1255A>G (p.Ile419Val)

Gene: ABCD4 (ATP binding cassette subfamily D member 4; minus strand). Cytogenetic location: 14q24.3.
Variant type: single nucleotide variant.
Coding change: c.1255A>G on transcript NM_005050.4 (MANE Select); coding-DNA position 1255, A replaced by G.
Protein change: p.Ile419Val; replaces isoleucine 419 with valine.
Molecular consequence: missense variant. On other transcripts: non-coding transcript variant (10).
Genome position (GRCh38, 1-based): chr14:74,290,363, T>C on the plus strand (A>G on the coding strand, the complement: ABCD4 is on the minus strand). VCF-style: chr14-74290363-T-C. GRCh37 (hg19) VCF-style: chr14-74757066-T-C.
Other names: c.1129A>G, p.Ile377Val (NM_001353591.2, NM_001353592.2); c.994A>G, p.Ile332Val (NM_001353593.2); c.943A>G, p.Ile315Val (NM_001353594.2); c.841A>G, p.Ile281Val (NM_001353595.2, NM_001353596.2); c.790A>G, p.Ile264Val (NM_001353597.2); c.778A>G, p.Ile260Val (NM_001353598.2, NM_001353599.2, NM_001353600.2 and 2 more transcripts); c.466A>G, p.Ile156Val (NM_001353602.2, NM_001353603.2, NM_001353604.2 and 6 more transcripts); c.1255A>G, p.Ile419Val (NM_020325.3); short protein forms I264V, I332V, I377V, I156V, I281V, I260V, I419V, I315V.
Identifiers: ClinVar variation 1039802 (VCV001039802.8), dbSNP rs2081160348, ClinGen allele CA390381458.